The following is an entry in ClinVar:

NM_004984.4(KIF5A):c.2472C>T (p.His824=)

Gene: KIF5A (kinesin family member 5A; plus strand). Cytogenetic location: 12q13.3.
Variant type: single nucleotide variant.
Coding change: c.2472C>T on transcript NM_004984.4 (MANE Select); coding-DNA position 2472, C replaced by T.
Protein change: p.His824=; no amino-acid change (histidine 824 retained).
Molecular consequence: synonymous variant.
Genome position (GRCh38, 1-based): chr12:57,578,276, C>T. VCF-style: chr12-57578276-C-T. GRCh37 (hg19) VCF-style: chr12-57972059-C-T.
Other names: c.2205C>T, p.His735= (NM_001354705.2); c.2472C>T (NM_004984.2).
Identifiers: ClinVar variation 1079263 (VCV001079263.11), dbSNP rs201743611, ClinGen allele CA6653134.

ClinVar aggregate classification (germline): Likely benign. Review status: criteria provided, single submitter (1 of 4 stars). 2 submissions from 2 submitters: Likely benign (1). 1 of the submissions does not count toward it. Last evaluated 2025-05-20.

Conditions:
KIF5A-related disorder. Also called: KIF5A-related condition; KIF5A-related disorders.
Spastic paraplegia. Identifiers: MedGen C0037772, HP:0001258.

Allele frequency attached by ClinVar (database versions not stated): TOPMed 0.00005; ExAC 0.00002; 1000 Genomes Project 0.00020; gnomAD exomes 0.00001; gnomAD 0.00006; 1000 Genomes Project 30x 0.00016.
gnomAD v4.1: 21 of 1,614,132 alleles (0.0013%); highest among the groups gnomAD compares: African/African-American, 0.019%; no homozygotes.

Submissions (2):

Labcorp Genetics (formerly Invitae), Labcorp
Classification: Likely benign for Spastic paraplegia. Last evaluated: 2025-05-20. Review status: criteria provided, single submitter. Criteria: Invitae Variant Classification Sherloc (09022015). Collection method: clinical testing. Allele origin: germline.

PreventionGenetics, part of Exact Sciences
Classification: Likely benign for KIF5A-related condition. Last evaluated: 2023-06-21. Review status: no assertion criteria provided. Collection method: clinical testing. Allele origin: germline. Not counted in ClinVar's aggregate classification.
Comment: This variant is classified as likely benign based on ACMG/AMP sequence variant interpretation guidelines (Richards et al. 2015 PMID: 25741868, with internal and published modifications).